The following is an entry in ClinVar:

NM_002693.3(POLG):c.1907C>G (p.Thr636Arg)

Gene: POLG (DNA polymerase gamma, catalytic subunit; minus strand). Cytogenetic location: 15q26.1.
Variant type: single nucleotide variant.
Coding change: c.1907C>G on transcript NM_002693.3 (MANE Select); coding-DNA position 1907, C replaced by G.
Protein change: p.Thr636Arg; replaces threonine 636 with arginine.
Molecular consequence: missense variant.
Genome position (GRCh38, 1-based): chr15:89,325,492, G>C on the plus strand (C>G on the coding strand, the complement: POLG is on the minus strand). VCF-style: chr15-89325492-G-C. GRCh37 (hg19) VCF-style: chr15-89868723-G-C.
Other names: c.1907C>G, p.Thr636Arg (NM_001126131.2); short protein forms T636R.
Identifiers: ClinVar variation 1361592 (VCV001361592.9), dbSNP rs917815816, ClinGen allele CA274554251.

ClinVar aggregate classification (germline): Uncertain significance. Review status: criteria provided, multiple submitters, no conflicts (2 of 4 stars). 2 submissions from 2 submitters: Uncertain significance (2). Last evaluated 2024-07-03.

Conditions:
Mitochondrial DNA depletion syndrome 1. Also called: POLIP SYNDROME; POLYNEUROPATHY, OPHTHALMOPLEGIA, LEUKOENCEPHALOPATHY, AND INTESTINAL PSEUDOOBSTRUCTION; Mitochondrial Neurogastrointestinal Encephalopathy Disease; MITOCHONDRIAL NEUROGASTROINTESTINAL ENCEPHALOPATHY SYNDROME, TYMP-RELATED; MNGIE, TYMP-RELATED; Mitochondrial DNA depletion syndrome 1 (MNGIE type). Identifiers: Orphanet 298, MedGen C4551995, MONDO:0011283, OMIM 603041.
Progressive sclerosing poliodystrophy (MTDPS4A). Also called: NEURONAL DEGENERATION OF CHILDHOOD WITH LIVER DISEASE, PROGRESSIVE; Alpers Syndrome; ALPERS DIFFUSE DEGENERATION OF CEREBRAL GRAY MATTER WITH HEPATIC CIRRHOSIS; Alpers-Huttenlocher Syndrome; Mitochondrial DNA depletion syndrome 4A (Alpers type); Mitochondrial DNA Depletion Syndrome 4A. Identifiers: Orphanet 726, MedGen C0205710, MONDO:0008758, OMIM 203700.
Progressive external ophthalmoplegia with mitochondrial DNA deletions, autosomal dominant 1 (PEOA1). Also called: Autosomal Dominant Progressive External Ophthalmoplegia (adPEO); PROGRESSIVE EXTERNAL OPHTHALMOPLEGIA, AUTOSOMAL DOMINANT 1. Identifiers: MedGen C1834846, MONDO:0024528, OMIM 157640.
Mitochondrial DNA depletion syndrome 4b. Also called: MNGIE, POLG-RELATED; Mitochondrial Neurogastrointestinal Encephalopathy Disease, POLG-Related. Identifiers: Orphanet 298, MedGen C3150914, MONDO:0013350, OMIM 613662.
Sensory ataxic neuropathy, dysarthria, and ophthalmoparesis (SANDO). Also called: Ataxia Neuropathy Spectrum (ANS); Sensory ataxic neuropathy-dysarthria-ophthalmoparesis syndrome; Epilepsy, progressive myoclonic, type 5; SENSORY ATAXIC NEUROPATHY WITH MITOCHONDRIAL DNA DELETIONS, AUTOSOMAL RECESSIVE. Identifiers: Orphanet 70595, MedGen C1843851, MONDO:0011835, OMIM 607459.
Progressive external ophthalmoplegia with mitochondrial DNA deletions, autosomal recessive 1 (PEOB1). Also called: Progressive external ophthalmoplegia, autosomal recessive 1; Autosomal Recessive Progressive External Ophthalmoplegia (arPEO). Identifiers: Orphanet 254886, MedGen C4225153, MONDO:0009783, OMIM 258450.

Allele frequency attached by ClinVar (database versions not stated): TOPMed below 0.00001; gnomAD 0.00001; gnomAD exomes 0.00001.
gnomAD v4.1: 11 of 1,608,394 alleles (0.00068%); highest among the groups gnomAD compares: Non-Finnish European, 0.00093%; no homozygotes.

Submissions (2):

Labcorp Genetics (formerly Invitae), Labcorp
Classification: Uncertain significance for Progressive sclerosing poliodystrophy. Last evaluated: 2024-07-03. Review status: criteria provided, single submitter. Criteria: Invitae Variant Classification Sherloc (09022015). Collection method: clinical testing. Allele origin: germline.
Comment: This sequence change replaces threonine, which is neutral and polar, with arginine, which is basic and polar, at codon 636 of the POLG protein (p.Thr636Arg). This variant is present in population databases (no rsID available, gnomAD 0.002%). This variant has not been reported in the literature in individuals affected with POLG-related conditions. ClinVar contains an entry for this variant (Variation ID: 1361592). Advanced modeling of protein sequence and biophysical properties (such as structural, functional, and spatial information, amino acid conservation, physicochemical variation, residue mobility, and thermodynamic stability) performed at Invitae indicates that this missense variant is not expected to disrupt POLG protein function with a negative predictive value of 95%. In summary, the available evidence is currently insufficient to determine the role of this variant in disease. Therefore, it has been classified as a Variant of Uncertain Significance.

Fulgent Genetics
Classification: Uncertain significance for Progressive external ophthalmoplegia with mitochondrial DNA deletions, autosomal dominant 1; Progressive sclerosing poliodystrophy; Progressive external ophthalmoplegia with mitochondrial DNA deletions, autosomal recessive 1; Mitochondrial DNA depletion syndrome 1; Sensory ataxic neuropathy, dysarthria, and ophthalmoparesis; Mitochondrial DNA depletion syndrome 4b. Last evaluated: 2021-07-14. Review status: criteria provided, single submitter. Criteria: ACMG Guidelines, 2015. Collection method: clinical testing. Allele origin: unknown.